The following is an entry in ClinVar:

NM_002417.5(MKI67):c.4392A>G (p.Leu1464=)

Gene: MKI67 (marker of proliferation Ki-67; minus strand). Cytogenetic location: 10q26.2.
Variant type: single nucleotide variant.
Coding change: c.4392A>G on transcript NM_002417.5 (MANE Select); coding-DNA position 4392, A replaced by G.
Protein change: p.Leu1464=; no amino-acid change (leucine 1464 retained).
Molecular consequence: synonymous variant.
Genome position (GRCh38, 1-based): chr10:128,107,448, T>C on the plus strand (A>G on the coding strand, the complement: MKI67 is on the minus strand). VCF-style: chr10-128107448-T-C. GRCh37 (hg19) VCF-style: chr10-129905712-T-C.
Other names: c.3312A>G, p.Leu1104= (NM_001145966.2).
Identifiers: ClinVar variation 2640966 (VCV002640966.24), dbSNP rs141046519, ClinGen allele CA5746839.

ClinVar aggregate classification (germline): Likely benign (1 of 4 stars; one submission).

Allele frequency attached by ClinVar (database versions not stated): 1000 Genomes Project 0.00260; ExAC 0.00270; 1000 Genomes Project 30x 0.00297; TOPMed 0.00297; gnomAD 0.00304; ESP Exome Variant Server 0.00323.
gnomAD v4.1: 7,358 of 1,614,100 alleles (0.46%); highest among the groups gnomAD compares: Non-Finnish European, 0.56%; 25 homozygotes.

Submission:

CeGaT Center for Human Genetics Tuebingen
Classification: Likely benign. Last evaluated: 2022-07-01. Review status: criteria provided, single submitter. Criteria: CeGaT Center For Human Genetics Tuebingen Variant Classification Criteria Version 2. Collection method: clinical testing. Allele origin: germline. Affected: yes. Observed: 1 variant allele.
Comment: MKI67: BP4, BP7